The following is an entry in ClinVar:

NM_000081.4(LYST):c.5676G>A (p.Met1892Ile)

Gene: LYST (lysosomal trafficking regulator; minus strand). Cytogenetic location: 1q42.3.
Variant type: single nucleotide variant.
Coding change: c.5676G>A on transcript NM_000081.4 (MANE Select); coding-DNA position 5676, G replaced by A.
Protein change: p.Met1892Ile; replaces methionine 1892 with isoleucine.
Molecular consequence: missense variant.
Genome position (GRCh38, 1-based): chr1:235,773,950, C>T on the plus strand (G>A on the coding strand, the complement: LYST is on the minus strand). VCF-style: chr1-235773950-C-T. GRCh37 (hg19) VCF-style: chr1-235937250-C-T.
Other names: c.5676G>A (NM_000081.2); c.5676G>A, p.Met1892Ile (NM_001301365.1); short protein forms M1892I.
Identifiers: ClinVar variation 296391 (VCV000296391.11), dbSNP rs143857674, ClinGen allele CA1466554.

ClinVar aggregate classification (germline): Conflicting classifications of pathogenicity. Review status: criteria provided, conflicting classifications (1 of 4 stars). 3 submissions from 3 submitters: Uncertain significance (2); Likely benign (1). Last evaluated 2025-12-23.

Conditions:
Chédiak-Higashi syndrome (CHS). Also called: Chediak-Higashi Syndrome. Identifiers: Orphanet 167, MedGen C0007965, MONDO:0008963, OMIM 214500.
LYST-related disorder. Also called: LYST-related condition.
Inborn genetic diseases. Identifiers: MedGen C0950123, MeSH D030342.

Allele frequency attached by ClinVar (database versions not stated): ExAC 0.00004; ESP Exome Variant Server 0.00008; gnomAD 0.00009; TOPMed 0.00009; gnomAD exomes 0.00013; 1000 Genomes Project 30x 0.00016; 1000 Genomes Project 0.00020.

Submissions (3):

PreventionGenetics, part of Exact Sciences
Classification: Uncertain significance for LYST-related condition. Last evaluated: 2025-12-23. Review status: criteria provided, single submitter. Criteria: ACMG Guidelines, 2015. Collection method: clinical testing. Allele origin: germline.
Comment: The LYST c.5676G>A variant is predicted to result in the amino acid substitution p.Met1892Ile. To our knowledge, this variant has not been reported in the literature. This variant is reported in 0.012% of alleles in individuals of European (Non-Finnish) descent in gnomAD. At this time, the clinical significance of this variant is uncertain due to the absence of conclusive functional and genetic evidence.

Labcorp Genetics (formerly Invitae), Labcorp
Classification: Uncertain significance for Chédiak-Higashi syndrome. Last evaluated: 2022-08-16. Review status: criteria provided, single submitter. Criteria: Invitae Variant Classification Sherloc (09022015). Collection method: clinical testing. Allele origin: germline.
Comment: This sequence change replaces methionine, which is neutral and non-polar, with isoleucine, which is neutral and non-polar, at codon 1892 of the LYST protein (p.Met1892Ile). This variant is present in population databases (rs143857674, gnomAD 0.01%). This variant has not been reported in the literature in individuals affected with LYST-related conditions. ClinVar contains an entry for this variant (Variation ID: 296391). Algorithms developed to predict the effect of missense changes on protein structure and function output the following: SIFT: "Tolerated"; PolyPhen-2: "Benign"; Align-GVGD: "Class C0". The isoleucine amino acid residue is found in multiple mammalian species, which suggests that this missense change does not adversely affect protein function. In summary, the available evidence is currently insufficient to determine the role of this variant in disease. Therefore, it has been classified as a Variant of Uncertain Significance.

Ambry Genetics
Classification: Likely benign for Inborn genetic diseases. Last evaluated: 2021-03-18. Review status: criteria provided, single submitter. Criteria: Ambry Variant Classification Scheme 2023. Collection method: clinical testing. Allele origin: germline.